The following is an entry in ClinVar:

NM_005732.4(RAD50):c.908A>C (p.Gln303Pro)

Gene: RAD50 (RAD50 double strand break repair protein; plus strand). Cytogenetic location: 5q31.1.
Variant type: single nucleotide variant.
Coding change: c.908A>C on transcript NM_005732.4 (MANE Select); coding-DNA position 908, A replaced by C.
Protein change: p.Gln303Pro; replaces glutamine 303 with proline.
Molecular consequence: missense variant.
Genome position (GRCh38, 1-based): chr5:132,587,946, A>C. VCF-style: chr5-132587946-A-C. GRCh37 (hg19) VCF-style: chr5-131923638-A-C.
Other names: short protein forms Q303P.
Identifiers: ClinVar variation 221110 (VCV000221110.15), dbSNP rs864622750, ClinGen allele CA348360.
Genomic context (GRCh38, chr5:132,587,946, plus strand): 5'-GTTTGTACATTAAAGCTTTTTATTTTGGTGTTACACAGGTTTTTCAAGGGACTGATGAGC[A>C]ACTAAATGACTTATATCACAATCACCAGAGAACAGTAAGGGAGAAAGAAAGGAAATTGGT-3'
Protein context (NP_005723.2, residues 293-313): MEKVFQGTDE[Gln303Pro]LNDLYHNHQR

ClinVar aggregate classification (germline): Uncertain significance. Review status: criteria provided, multiple submitters, no conflicts (2 of 4 stars). 2 submissions from 2 submitters: Uncertain significance (2). Last evaluated 2024-06-17.

Conditions:
Hereditary cancer-predisposing syndrome. Also called: Hereditary neoplastic syndrome; Tumor predisposition; Hereditary Cancer Syndrome; Neoplastic Syndromes, Hereditary. Identifiers: Orphanet 140162, MedGen C0027672, MeSH D009386, MONDO:0015356.

Submissions (2):

Ambry Genetics
Classification: Uncertain significance for Hereditary cancer-predisposing syndrome. Last evaluated: 2024-06-17. Review status: criteria provided, single submitter. Criteria: Ambry Variant Classification Scheme 2023. Collection method: clinical testing. Allele origin: germline.
Comment: The p.Q303P variant (also known as c.908A>C), located in coding exon 7 of the RAD50 gene, results from an A to C substitution at nucleotide position 908. The glutamine at codon 303 is replaced by proline, an amino acid with similar properties. This amino acid position is well conserved in available vertebrate species. In addition, this alteration is predicted to be tolerated by in silico analysis. Based on the available evidence, the clinical significance of this variant remains unclear.

Labcorp Genetics (formerly Invitae), Labcorp
Classification: Uncertain significance for Hereditary cancer-predisposing syndrome. Last evaluated: 2024-02-06. Review status: criteria provided, single submitter. Criteria: Invitae Variant Classification Sherloc (09022015). Collection method: clinical testing. Allele origin: germline.
Comment: This sequence change replaces glutamine, which is neutral and polar, with proline, which is neutral and non-polar, at codon 303 of the RAD50 protein (p.Gln303Pro). This variant is not present in population databases (gnomAD no frequency). This variant has not been reported in the literature in individuals affected with RAD50-related conditions. ClinVar contains an entry for this variant (Variation ID: 221110). Advanced modeling of protein sequence and biophysical properties (such as structural, functional, and spatial information, amino acid conservation, physicochemical variation, residue mobility, and thermodynamic stability) performed at Invitae indicates that this missense variant is expected to disrupt RAD50 protein function with a positive predictive value of 80%. In summary, the available evidence is currently insufficient to determine the role of this variant in disease. Therefore, it has been classified as a Variant of Uncertain Significance.